The following is an entry in ClinVar:

NM_001206927.2(DNAH8):c.3956T>C (p.Ile1319Thr)

Gene: DNAH8 (dynein axonemal heavy chain 8; plus strand). Cytogenetic location: 6p21.2.
Variant type: single nucleotide variant.
Coding change: c.3956T>C on transcript NM_001206927.2 (MANE Select); coding-DNA position 3956, T replaced by C.
Protein change: p.Ile1319Thr; replaces isoleucine 1319 with threonine.
Molecular consequence: missense variant.
Genome position (GRCh38, 1-based): chr6:38,826,264, T>C. VCF-style: chr6-38826264-T-C. GRCh37 (hg19) VCF-style: chr6-38794040-T-C.
Other names: c.3305T>C, p.Ile1102Thr (NM_001371.4); short protein forms I1319T, I1102T.
Identifiers: ClinVar variation 950199 (VCV000950199.9), dbSNP rs201847227, ClinGen allele CA3788977.
Genomic context (GRCh38, chr6:38,826,264, plus strand): 5'-TACTCTGTCGATATCTGAATGAAGAATACAAAAAGAAAATGTCATACATGATAGCATTTA[T>C]TAATGAATACTTGAAAAAGTTATCTAGACCTATTCGTGATTTAGATGATGTCAGATTTGC-3'
Protein context (NP_001193856.1, residues 1309-1329): KKKMSYMIAF[Ile1319Thr]NEYLKKLSRP

ClinVar aggregate classification (germline): Uncertain significance. Review status: criteria provided, multiple submitters, no conflicts (2 of 4 stars). 2 submissions from 2 submitters: Uncertain significance (2). Last evaluated 2024-10-29.

Conditions:
Primary ciliary dyskinesia. Also called: Ciliary dyskinesia. Identifiers: Orphanet 244, MedGen C0008780, MONDO:0016575, HP:0012265.

Allele frequency attached by ClinVar (database versions not stated): ExAC 0.00004; gnomAD 0.00004; gnomAD exomes 0.00005 and 0.00008; TOPMed 0.00006.
gnomAD v4.1: 86 of 1,613,266 alleles (0.0053%); highest among the groups gnomAD compares: Non-Finnish European, 0.00059%; 1 homozygote.

Submissions (2):

Labcorp Genetics (formerly Invitae), Labcorp
Classification: Uncertain significance for Primary ciliary dyskinesia. Last evaluated: 2024-10-29. Review status: criteria provided, single submitter. Criteria: Invitae Variant Classification Sherloc (09022015). Collection method: clinical testing. Allele origin: germline.
Comment: This sequence change replaces isoleucine, which is neutral and non-polar, with threonine, which is neutral and polar, at codon 1319 of the DNAH8 protein (p.Ile1319Thr). This variant is present in population databases (rs201847227, gnomAD 0.2%). This variant has not been reported in the literature in individuals affected with DNAH8-related conditions. ClinVar contains an entry for this variant (Variation ID: 950199). Invitae Evidence Modeling of protein sequence and biophysical properties (such as structural, functional, and spatial information, amino acid conservation, physicochemical variation, residue mobility, and thermodynamic stability) indicates that this missense variant is not expected to disrupt DNAH8 protein function with a negative predictive value of 80%. In summary, the available evidence is currently insufficient to determine the role of this variant in disease. Therefore, it has been classified as a Variant of Uncertain Significance.

Ambry Genetics
Classification: Uncertain significance. Last evaluated: 2023-05-16. Review status: criteria provided, single submitter. Criteria: Ambry Variant Classification Scheme 2023. Collection method: clinical testing. Allele origin: germline.